The following is an entry in ClinVar:

ClinVar aggregate classification (germline): Uncertain significance (1 of 4 stars; one submission).

Conditions:
Inborn genetic diseases. Identifiers: MedGen C0950123, MeSH D030342.

Submission:

Ambry Genetics
Classification: Uncertain significance for Inborn genetic diseases. Last evaluated: 2026-08-11. Review status: criteria provided, single submitter. Criteria: Ambry Variant Classification Scheme 2023. Collection method: clinical testing. Allele origin: germline.
Comment: The p.Y1127C variant (also known as c.3380A>G), located in coding exon 1 of the SAMD9L gene, results from an A to G substitution at nucleotide position 3380. The tyrosine at codon 1127 is replaced by cysteine, an amino acid with highly dissimilar properties. This amino acid position is conserved. In addition, the in silico prediction for this alteration is inconclusive. Based on the available evidence, the clinical significance of this variant remains unclear.

NM_152703.5(SAMD9L):c.3380A>G (p.Tyr1127Cys)

Gene: SAMD9L (sterile alpha motif domain containing 9 like; minus strand). Cytogenetic location: 7q21.2.
Variant type: single nucleotide variant.
Coding change: c.3380A>G on transcript NM_152703.5 (MANE Select); coding-DNA position 3380, A replaced by G.
Protein change: p.Tyr1127Cys; replaces tyrosine 1127 with cysteine.
Molecular consequence: missense variant.
Genome position (GRCh38, 1-based): chr7:93,132,592, T>C on the plus strand (A>G on the coding strand, the complement: SAMD9L is on the minus strand). VCF-style: chr7-93132592-T-C. GRCh37 (hg19) VCF-style: chr7-92761905-T-C.
Other names: c.3380A>G, p.Tyr1127Cys (NM_001303496.3, NM_001303497.3, NM_001303498.3 and 5 more transcripts); short protein forms Y1127C.
Identifiers: ClinVar variation 5028944 (VCV005028944.1).
Genomic context (GRCh38, chr7:93,132,592, plus strand): 5'-TTAACAGTAATGCTCCTACAGTTTTTGTTCCCATCCAACCACCATTTGATTTCACTTTTG[T>C]AGACTTGACCTAGTGTATCTGAAATATAGGAATTTTTAGGTGCTTTCATTTTGGCCTGAC-3'
Protein context (NP_689916.2, residues 1117-1137): SYISDTLGQV[Tyr1127Cys]KSEIKWWLDG